The following is an entry in ClinVar:

NM_001379659.1(ZNF142):c.2554T>G (p.Leu852Val)

Gene: ZNF142 (zinc finger protein 142; minus strand). Cytogenetic location: 2q35.
Variant type: single nucleotide variant.
Coding change: c.2554T>G on transcript NM_001379659.1 (MANE Select); coding-DNA position 2554, T replaced by G.
Protein change: p.Leu852Val; replaces leucine 852 with valine.
Molecular consequence: missense variant.
Genome position (GRCh38, 1-based): chr2:218,644,562, A>C on the plus strand (T>G on the coding strand, the complement: ZNF142 is on the minus strand). VCF-style: chr2-218644562-A-C. GRCh37 (hg19) VCF-style: chr2-219509285-A-C.
Other names: c.1954T>G, p.Leu652Val (NM_001105537.5, NM_001366291.3, NM_001379662.1); c.1465T>G, p.Leu489Val (NM_001366287.3, NM_001366288.3, NM_001366289.3); c.2554T>G, p.Leu852Val (NM_001366290.3, NM_001379660.1, NM_001379661.1); short protein forms L489V, L652V, L852V.
Identifiers: ClinVar variation 1335441 (VCV001335441.38), dbSNP rs143333715, ClinGen allele CA2109137.
Genomic context (GRCh38, chr2:218,644,562, plus strand): 5'-CACTGCCCTCCTGTCTTCCAGTGTTGACCTCCTCACTCATCTCTGGCAGGGCCTGGTCCA[A>C]GCTGGGGTCCACCACAGTCCCAGGTTCGTGACCTGGCCCCTCAGGTCGGGCTGACAGCTG-3'
Protein context (NP_001366588.1, residues 842-862): HEPGTVVDPS[Leu852Val]DQALPEMSEE

ClinVar aggregate classification (germline): Likely benign. Review status: criteria provided, multiple submitters, no conflicts (2 of 4 stars). 3 submissions from 3 submitters: Likely benign (3). Last evaluated 2025-12-01.

Conditions:
Inborn genetic diseases. Identifiers: MedGen C0950123, MeSH D030342.

Allele frequency attached by ClinVar (database versions not stated): 1000 Genomes Project 30x 0.00109; 1000 Genomes Project 0.00120; gnomAD exomes 0.00137 and 0.00221; gnomAD 0.00143 and 0.00147; TOPMed 0.00147; ESP Exome Variant Server 0.00153; ExAC 0.00205.

Submissions (3):

CeGaT Center for Human Genetics Tuebingen
Classification: Likely benign. Last evaluated: 2025-12-01. Review status: criteria provided, single submitter. Criteria: CeGaT Center For Human Genetics Tuebingen Variant Classification Criteria Version 2. Collection method: clinical testing. Allele origin: germline. Affected: yes. Observed: 22 variant alleles.
Comment: ZNF142: BP4, BS2

Ambry Genetics
Classification: Likely benign for Inborn genetic diseases. Last evaluated: 2023-04-21. Review status: criteria provided, single submitter. Criteria: Ambry Variant Classification Scheme 2023. Collection method: clinical testing. Allele origin: germline.

Breakthrough Genomics
Classification: Likely benign. Review status: criteria provided, single submitter. Criteria: ACMG Guidelines, 2015. Collection method: not provided. Allele origin: germline. Inheritance: Autosomal recessive inheritance. Affected: yes.